The following is an entry in ClinVar:

ClinVar aggregate classification (germline): Conflicting classifications of pathogenicity. Review status: criteria provided, conflicting classifications (1 of 4 stars). 2 submissions from 2 submitters: Uncertain significance (1); Likely benign (1). Last evaluated 2025-12-03.

Allele frequency attached by ClinVar (database versions not stated): gnomAD exomes 0.00003; TOPMed 0.00003; gnomAD 0.00005 and 0.00006; ESP Exome Variant Server 0.00009; ExAC 0.00010.

Submissions (2):

Labcorp Genetics (formerly Invitae), Labcorp
Classification: Uncertain significance. Last evaluated: 2025-12-03. Review status: criteria provided, single submitter. Criteria: Invitae Variant Classification Sherloc (09022015). Collection method: clinical testing. Allele origin: germline.
Comment: This sequence change replaces serine, which is neutral and polar, with leucine, which is neutral and non-polar, at codon 152 of the HPS6 protein (p.Ser152Leu). This variant is present in population databases (rs369112226, gnomAD 0.007%). This variant has not been reported in the literature in individuals affected with HPS6-related conditions. ClinVar contains an entry for this variant (Variation ID: 163682). Invitae Evidence Modeling of protein sequence and biophysical properties (such as structural, functional, and spatial information, amino acid conservation, physicochemical variation, residue mobility, and thermodynamic stability) indicates that this missense variant is not expected to disrupt HPS6 protein function with a negative predictive value of 80%. In summary, the available evidence is currently insufficient to determine the role of this variant in disease. Therefore, it has been classified as a Variant of Uncertain Significance.

Laboratory for Molecular Medicine, Mass General Brigham Personalized Medicine
Classification: Likely benign. Last evaluated: 2013-12-11. Review status: criteria provided, single submitter. Criteria: LMM Criteria. Collection method: clinical testing. Allele origin: germline. Observed: 1 variant allele.
Comment: Ser152Leu in exon 1 of HPS6: This variant has been identified in 0.01% (1/7512) of European American chromosomes by the NHLBI Exome Sequencing Project. While this frequency does not rule out a role in dise ase, serine (Ser) at position 152 is poorly conserved in evolution (several mamm als including primates) have a Leucine (Leu) at this position, suggesting that t his change can be tolerated.

NM_024747.6(HPS6):c.455C>T (p.Ser152Leu)

Gene: HPS6 (HPS6 biogenesis of lysosomal organelles complex 2 subunit 3; plus strand). Cytogenetic location: 10q24.32.
Variant type: single nucleotide variant.
Coding change: c.455C>T on transcript NM_024747.6 (MANE Select); coding-DNA position 455, C replaced by T.
Protein change: p.Ser152Leu; replaces serine 152 with leucine.
Molecular consequence: missense variant.
Genome position (GRCh38, 1-based): chr10:102,065,929, C>T. VCF-style: chr10-102065929-C-T. GRCh37 (hg19) VCF-style: chr10-103825686-C-T.
Other names: short protein forms S152L.
Identifiers: ClinVar variation 163682 (VCV000163682.8), dbSNP rs369112226, ClinGen allele CA176346.